The following is an entry in ClinVar:

ClinVar aggregate classification (germline): Benign (1 of 4 stars; one submission).

Submission:

Unidad de Genómica Garrahan, Hospital de Pediatría Garrahan
Classification: Benign. Last evaluated: 2024-01-24. Review status: criteria provided, single submitter. Criteria: ACMG Guidelines, 2015. Collection method: clinical testing. Allele origin: germline. Affected: no. Observed: 51 variant alleles.
Comment: This variant is classified as Benign based on local population frequency. This variant was detected in 54% of patients studied by a panel of primary immunodeficiencies. Number of patients: 51. Only high quality variants are reported.

NM_006254.4(PRKCD):c.315+28_315+29insGGTG

Gene: PRKCD (protein kinase C delta; plus strand). Cytogenetic location: 3p21.1.
Variant type: Insertion.
Coding change: c.315+28_315+29insGGTG on transcript NM_006254.4 (MANE Select); bases 28 to 29 of the intron after coding-DNA position 315, GGTG inserted.
Molecular consequence: intron variant.
Genome position: GRCh38 VCF-style: chr3-53179801-T-TGTGG. GRCh37 (hg19) VCF-style: chr3-53213817-T-TGTGG.
Other names: c.315+28_315+29insGGTG (NM_001354680.2, NM_001354679.2, NM_212539.2 and 1 more transcripts); c.372+28_372+29insGGTG (NM_001354676.2); c.363+28_363+29insGGTG (NM_001354678.2).
Identifiers: ClinVar variation 2688105 (VCV002688105.2), dbSNP rs1703365124, ClinGen allele CA2697556684.
Genomic context (GRCh38, chr3:53,179,801, plus strand): 5'-CGCTGCAAGAAGAACAATGGCAAGGCTGAGTTCTGGGTAAGGGGCGCACGAGCCGTGCCG[T>TGTGG]GTGTGTGTGTGTGTGTGTCTGTGTGTGTGTGCATGCGTGCATGTGTGTGCGTGCACACAC-3'